The following is an entry in ClinVar:

NM_000038.6(APC):c.6883T>C (p.Ser2295Pro)

Gene: APC (APC regulator of Wnt signaling pathway; plus strand). Cytogenetic location: 5q22.2.
Variant type: single nucleotide variant.
Coding change: c.6883T>C on transcript NM_000038.6 (MANE Select); coding-DNA position 6883, T replaced by C.
Protein change: p.Ser2295Pro; replaces serine 2295 with proline.
Molecular consequence: missense variant.
Genome position (GRCh38, 1-based): chr5:112,842,477, T>C. VCF-style: chr5-112842477-T-C. GRCh37 (hg19) VCF-style: chr5-112178174-T-C.
Other names: c.6883T>C, p.Ser2295Pro (NM_001127510.3, NM_001354895.2); c.6829T>C, p.Ser2277Pro (NM_001127511.3); c.6937T>C, p.Ser2313Pro (NM_001354896.2); c.6913T>C, p.Ser2305Pro (NM_001354897.2); c.6808T>C, p.Ser2270Pro (NM_001354898.2); c.6799T>C, p.Ser2267Pro (NM_001354899.2); c.6760T>C, p.Ser2254Pro (NM_001354900.2); c.6706T>C, p.Ser2236Pro (NM_001354901.2); and 5 more; short protein forms S2277P, S2295P, S2135P, S2169P, S2236P, S2313P, S2305P, S2012P.
Identifiers: ClinVar variation 482423 (VCV000482423.6), dbSNP rs1554087821, ClinGen allele CA16036351.

ClinVar aggregate classification (germline): Uncertain significance. Review status: criteria provided, multiple submitters, no conflicts (2 of 4 stars). 2 submissions from 2 submitters: Uncertain significance (2). Last evaluated 2025-03-24.

Conditions:
Familial adenomatous polyposis 1 (FAP1). Also called: FAMILIAL ADENOMATOUS POLYPOSIS 1, ATTENUATED; POLYPOSIS, ADENOMATOUS INTESTINAL. Identifiers: MedGen C2713442, MONDO:0021056, OMIM 175100. Disease mechanism: loss of function.
Hereditary cancer-predisposing syndrome. Also called: Neoplastic Syndromes, Hereditary; Tumor predisposition; Hereditary Cancer Syndrome; Hereditary neoplastic syndrome. Identifiers: Orphanet 140162, MedGen C0027672, MeSH D009386, MONDO:0015356.

Submissions (2):

Labcorp Genetics (formerly Invitae), Labcorp
Classification: Uncertain significance for Familial adenomatous polyposis 1. Last evaluated: 2025-03-24. Review status: criteria provided, single submitter. Criteria: Invitae Variant Classification Sherloc (09022015). Collection method: clinical testing. Allele origin: germline.
Comment: This sequence change replaces serine, which is neutral and polar, with proline, which is neutral and non-polar, at codon 2295 of the APC protein (p.Ser2295Pro). This variant is not present in population databases (gnomAD no frequency). This variant has not been reported in the literature in individuals affected with APC-related conditions. ClinVar contains an entry for this variant (Variation ID: 482423). Invitae Evidence Modeling of protein sequence and biophysical properties (such as structural, functional, and spatial information, amino acid conservation, physicochemical variation, residue mobility, and thermodynamic stability) indicates that this missense variant is not expected to disrupt APC protein function with a negative predictive value of 95%. In summary, the available evidence is currently insufficient to determine the role of this variant in disease. Therefore, it has been classified as a Variant of Uncertain Significance.

Ambry Genetics
Classification: Uncertain significance for Hereditary cancer-predisposing syndrome. Last evaluated: 2017-04-07. Review status: criteria provided, single submitter. Criteria: Ambry Variant Classification Scheme 2023. Collection method: clinical testing. Allele origin: germline.
Comment: The p.S2295P variant (also known as c.6883T>C), located in coding exon 15 of the APC gene, results from a T to C substitution at nucleotide position 6883. The serine at codon 2295 is replaced by proline, an amino acid with similar properties. This amino acid position is well conserved in available vertebrate species. In addition, in silico predictors for this gene do not accurately predict pathogenicity. Since supporting evidence is limited at this time, the clinical significance of this alteration remains unclear.